The following is an entry in ClinVar:

ClinVar aggregate classification (germline): Pathogenic. Review status: reviewed by expert panel (3 of 4 stars). 2 submissions from 2 submitters: Pathogenic (1). 1 of the submissions does not count toward it. Last evaluated 2023-08-04.

Conditions:
CDH1-related diffuse gastric and lobular breast cancer syndrome. Also called: CDH1-related diffuse gastric and lobular breast cancer. Identifiers: MedGen CN311521, MONDO:0100488.
Hereditary diffuse gastric adenocarcinoma (HDGC). Also called: DIFFUSE GASTRIC AND LOBULAR BREAST CANCER SYNDROME. Identifiers: Orphanet 26106, MedGen C1708349, MONDO:0007648, OMIM 137215.

Submissions (2):

Clingen Gastric Cancer Variant Curation Expert Panel
Classification: Pathogenic for CDH1-related diffuse gastric and lobular breast cancer syndrome. Last evaluated: 2023-08-04. Review status: reviewed by expert panel. Criteria: ClinGen CDH1 ACMG Specifications V3.1. Collection method: curation. Allele origin: germline. Inheritance: Autosomal dominant inheritance.
Comment: The c.1170del p.(Asn390fs) variant is predicted to result in a premature stop codon that leads to nonsense mediate decay (PVS1 and PM5_supporting). The variant is absent in the gnomAD cohort (PM2_supporting). Therefore, this variant meets criteria to be classified as pathogenic based on the ACMG/AMP criteria applied as specified by the CDH1 Variant Curation Expert Panel (CDH1 VCEP specifications version 3.1): PVS1, PM2_supporting, PM5_supporting.

Labcorp Genetics (formerly Invitae), Labcorp
Classification: Pathogenic for Hereditary diffuse gastric adenocarcinoma. Last evaluated: 2018-06-18. Review status: criteria provided, single submitter. Criteria: Invitae Variant Classification Sherloc (09022015). Collection method: clinical testing. Allele origin: germline. Not counted in ClinVar's aggregate classification.
Comment: Loss-of-function variants in CDH1 are known to be pathogenic (PMID: 15235021, 20373070). For these reasons, this variant has been classified as Pathogenic. This variant has not been reported in the literature in individuals with CDH1-related disease. This variant is not present in population databases (ExAC no frequency). This sequence change creates a premature translational stop signal (p.Asn390Lysfs*3) in the CDH1 gene. It is expected to result in an absent or disrupted protein product.

Literature cited by the submitters: PubMed 15235021 (cited by Labcorp Genetics (formerly Invitae), Labcorp); PubMed 20373070 (cited by Labcorp Genetics (formerly Invitae), Labcorp).

NM_004360.5(CDH1):c.1170del (p.Asn390fs)

Gene: CDH1 (cadherin 1; plus strand). Cytogenetic location: 16q22.1.
Variant type: Deletion.
Coding change: c.1170del on transcript NM_004360.5 (MANE Select); coding-DNA position 1170, one base deleted (C; older notation c.1170delC).
Protein change: p.Asn390fs; shifts the reading frame from asparagine 390.
Molecular consequence: frameshift variant. On other transcripts: 5 prime UTR variant (2), intron variant (1).
Genome position (GRCh38, 1-based): chr16:68,813,345, C deleted. VCF-style (leftmost placement, unchanged base first): chr16-68813344-AC-A. GRCh37 (hg19) VCF-style: chr16-68847247-AC-A.
Other names: c.-446del (NM_001317185.2); c.-650del (NM_001317186.2); c.1137+1082del (NM_001317184.2); c.1170del (LRG_301t1); short protein forms N390fs.
Identifiers: ClinVar variation 574672 (VCV000574672.11), dbSNP rs1567507724, ClinGen allele CA891843862.